The following continues an entry in ClinVar:

NM_001126108.2(SLC12A3):c.1664C>T (p.Ser555Leu)

Gene: SLC12A3. ClinVar aggregate classification (germline): Pathogenic/Likely pathogenic. Pathogenic (15); Likely pathogenic (1).

Submissions 11 to 17 of 17:

Ambry Genetics
Classification: Pathogenic for Inborn genetic diseases. Last evaluated: 2022-10-25. Review status: criteria provided, single submitter. Criteria: Ambry Variant Classification Scheme 2023. Collection method: clinical testing. Allele origin: germline.
Comment: The c.1664C>T (p.S555L) alteration is located in exon 13 (coding exon 13) of the SLC12A3 gene. This alteration results from a C to T substitution at nucleotide position 1664, causing the serine (S) at amino acid position 555 to be replaced by a leucine (L). Based on data from gnomAD, the T allele has an overall frequency of 0.006% (17/282842) total alleles studied. The highest observed frequency was 0.012% (3/25094) of European (Finnish) alleles. This alteration has been reported in the homozygous state and in conjunction with other alterations in SLC12A3 in multiple individuals with Gitelman syndrome (Urbanov&aacute;, 2006; Tajima, 2006; Godefroid, 2006; Riveira-Munoz, 2007; Vargas-Poussou, 2011; Balavoine, 2011; Glaudemans, 2012; Berry, 2013; Hureaux, 2019; Fujimura, 2019; Cruz, 2001; Oh, 2021). In addition, this alteration was shown to segregate with disease in a family with clinical features consistent with Gitelman syndrome (Godefroid, 2006). This amino acid position is highly conserved in available vertebrate species. Functional assays show reduced ion transport activity in Xenopus oocytes compared to controls (Riveira-Munoz, 2007). This alteration is predicted to be deleterious by in silico analysis. Based on the available evidence, this alteration is classified as pathogenic.

European Hospital Georges Pompidou Genetics Department, Assistance Publique - Hôpitaux de Paris AP-HP
Classification: Pathogenic for Familial hypokalemia-hypomagnesemia. Last evaluated: 2022-04-27. Review status: criteria provided, single submitter. Criteria: ACMG Guidelines, 2015. Collection method: clinical testing. Allele origin: germline. Affected: yes.
Comment: ACMG criteria used:PS3, PS4, PM1, PM2, PP3, PP5

Dasa
Classification: Pathogenic for Familial hypokalemia-hypomagnesemia. Last evaluated: 2022-01-05. Review status: criteria provided, single submitter. Criteria: ACMG Guidelines, 2015. Collection method: clinical testing. Allele origin: germline. Affected: yes. Observed: 1 variant allele.
Comment: The c.1664C>T;p.(Ser555Leu) missense variant has been observed in affected individual(s) and ClinVar contains an entry for this variant (ClinVar ID: 642947; PMID: 11168953; 17329572; 23328711; 21753071; 30596175; 22009145) - PS4. Well-established in vitro or in vivo functional studies support a damaging effect on the gene or gene product (PMID: 17329572) - PS3_supporting. The variant is present at low allele frequencies population databases (rs148038173– gnomAD 0.0007886%; ABraOM no frequency) - PM2_supporting. The p.(Ser555Leu) was detected in trans with a pathogenic variant (PMID: 30596175 ; 23328711; 22009145) - PM3_strong. In summary, the currently available evidence indicates that the variant is pathogenic.

MGZ Medical Genetics Center
Classification: Likely pathogenic for Familial hypokalemia-hypomagnesemia. Last evaluated: 2021-10-25. Review status: criteria provided, single submitter. Criteria: ACMG Guidelines, 2015. Collection method: clinical testing. Allele origin: germline. Affected: yes. Observed: 1 variant allele.
Comment: ACMG criteria applied: PS3_MOD, PM3, PM2_SUP, PP1, PP3

Genome-Nilou Lab
Classification: Pathogenic for Familial hypokalemia-hypomagnesemia. Last evaluated: 2021-07-15. Review status: criteria provided, single submitter. Criteria: ACMG Guidelines, 2015. Collection method: clinical testing. Allele origin: germline. Affected: no.

Athena Diagnostics
Classification: Pathogenic. Last evaluated: 2020-02-25. Review status: criteria provided, single submitter. Criteria: Athena Diagnostics Criteria. Collection method: clinical testing. Allele origin: unknown.
Comment: The frequency of this variant in the general population is consistent with pathogenicity. Found in at least one patient with expected phenotype for this gene. Predicted to have a damaging effect on the protein. In multiple individuals, this variant has been seen with a single recessive pathogenic variant in the same gene, suggesting this variant may also be pathogenic. Assessment of experimental evidence suggests this variant results in abnormal protein function. Segregation with disease in affected and unaffected individualsfrom a single family.

PreventionGenetics, part of Exact Sciences
Classification: Pathogenic for SLC12A3-related condition. Last evaluated: 2024-09-27. Review status: no assertion criteria provided. Collection method: clinical testing. Allele origin: germline. Not counted in ClinVar's aggregate classification.
Comment: The SLC12A3 c.1664C>T variant is predicted to result in the amino acid substitution p.Ser555Leu. This variant has been reported in many unrelated individuals to be pathogenic for Gitelman syndrome due to impaired ion transport activity (Riveira-Munoz et al. 2007. PubMed ID: 17329572; Berry et al. 2013. PubMed ID: 23328711; Fujimura et al 2019. PubMed ID: 30596175). This variant is reported in 0.012% of alleles in individuals of European (Finnish) descent in gnomAD and has been interpreted as likely pathogenic or pathogenic by multiple laboratories in ClinVar. Based on the available evidence, we classify this variant as pathogenic.

Literature cited by the submitters: PubMed 17329572 (cited by 7 submitters); PubMed 21415153 (cited by Natera, Inc. and Ambry Genetics); PubMed 17059986 (cited by 4 submitters); PubMed 11168953 (cited by 5 submitters); PubMed 21753071 (cited by 5 submitters); PubMed 23328711 (cited by 6 submitters); PubMed 17159356 (cited by 3 submitters); PubMed 30596175 (cited by 4 submitters); PubMed 33095447 (cited by Genetics and Molecular Pathology, SA Pathology and Ambry Genetics); PubMed 22009145 (cited by 3 submitters); PubMed 24790334 (cited by Ambry Genetics); PubMed 31672324 (cited by Ambry Genetics); PubMed 12483017 (cited by Dasa); PubMed 16801039 (cited by Dasa); PubMed 18033047 (cited by Dasa); PubMed 26484179 (cited by Dasa); PubMed 19451210 (cited by Athena Diagnostics).